The following is an entry in ClinVar:

ClinVar aggregate classification (germline): Uncertain significance (1 of 4 stars; one submission).

gnomAD v4.1: 1 of 700,404 alleles (0.00014%); highest among the groups gnomAD compares: Non-Finnish European, 0.00026%; no homozygotes.

Submission:

Labcorp Genetics (formerly Invitae), Labcorp
Classification: Uncertain significance. Last evaluated: 2025-12-17. Review status: criteria provided, single submitter. Criteria: Invitae Variant Classification Sherloc (09022015). Collection method: clinical testing. Allele origin: germline.
Comment: This variant occurs in the RNU4ATAC gene, which encodes an RNA molecule that does not result in a protein product. This variant is not present in population databases (gnomAD no frequency). This variant has not been reported in the literature in individuals affected with RNU4ATAC-related conditions. Experimental studies and prediction algorithms are not available or were not evaluated, and the functional significance of this variant is currently unknown. In summary, the available evidence is currently insufficient to determine the role of this variant in disease. Therefore, it has been classified as a Variant of Uncertain Significance.

NR_023343.3(RNU4ATAC):n.110T>A

Genes: CLASP1 (cytoplasmic linker associated protein 1; minus strand), CLASP1-AS1 (CLASP1 antisense RNA 1; plus strand), RNU4ATAC (RNA, U4atac small nuclear; plus strand). Cytogenetic location: 2q14.2.
Variant type: single nucleotide variant.
Molecular consequence: non-coding transcript variant (on NR_023343.3). On other transcripts: intron variant (8).
Genome position: GRCh38 VCF-style: chr2-121530989-T-A. GRCh37 (hg19) VCF-style: chr2-122288565-T-A.
Other names: c.196-664A>T (NM_001142274.2, NM_015282.3, NM_001378003.1 and 5 more transcripts).
Identifiers: ClinVar variation 4704623 (VCV004704623.1).